The following is an entry in ClinVar:

ClinVar aggregate classification (germline): Uncertain significance (1 of 4 stars; one submission).

Submission:

CeGaT Center for Human Genetics Tuebingen
Classification: Uncertain significance. Last evaluated: 2025-07-01. Review status: criteria provided, single submitter. Criteria: CeGaT Center For Human Genetics Tuebingen Variant Classification Criteria Version 2. Collection method: clinical testing. Allele origin: germline. Affected: yes. Observed: 1 variant allele.
Comment: SRRM2: PM2, BP4

NM_016333.4(SRRM2):c.6788C>G (p.Ala2263Gly)

Gene: SRRM2 (serine/arginine repetitive matrix 2; plus strand). Cytogenetic location: 16p13.3.
Variant type: single nucleotide variant.
Coding change: c.6788C>G on transcript NM_016333.4 (MANE Select); coding-DNA position 6788, C replaced by G.
Protein change: p.Ala2263Gly; replaces alanine 2263 with glycine.
Molecular consequence: missense variant.
Genome position (GRCh38, 1-based): chr16:2,767,316, C>G. VCF-style: chr16-2767316-C-G. GRCh37 (hg19) VCF-style: chr16-2817317-C-G.
Other names: short protein forms A2263G.
Identifiers: ClinVar variation 4085410 (VCV004085410.8).